The following is an entry in ClinVar:

NM_182914.3(SYNE2):c.9230C>T (p.Pro3077Leu)

Gene: SYNE2 (spectrin repeat containing nuclear envelope protein 2; plus strand). Cytogenetic location: 14q23.2.
Variant type: single nucleotide variant.
Coding change: c.9230C>T on transcript NM_182914.3 (MANE Select); coding-DNA position 9230, C replaced by T.
Protein change: p.Pro3077Leu; replaces proline 3077 with leucine.
Molecular consequence: missense variant.
Genome position (GRCh38, 1-based): chr14:64,053,143, C>T. VCF-style: chr14-64053143-C-T. GRCh37 (hg19) VCF-style: chr14-64519861-C-T.
Other names: c.9230C>T, p.Pro3077Leu (NM_015180.6); short protein forms P3077L.
Identifiers: ClinVar variation 197603 (VCV000197603.48), dbSNP rs200742016, ClinGen allele CA245851.

ClinVar aggregate classification (germline): Conflicting classifications of pathogenicity. Review status: criteria provided, conflicting classifications (1 of 4 stars). 7 submissions from 7 submitters: Uncertain significance (1); Benign (1); Likely benign (4). 1 of the submissions does not count toward it. Last evaluated 2026-08-01.

Conditions:
SYNE2-related disorder. Also called: SYNE2-related condition.
Emery-Dreifuss muscular dystrophy 5, autosomal dominant (EDMD5). Also called: EMERY-DREIFUSS MUSCULAR DYSTROPHY 5. Identifiers: Orphanet 261, MedGen C2751805, MONDO:0013072, OMIM 612999.

Allele frequency attached by ClinVar (database versions not stated): 1000 Genomes Project 30x 0.00062; 1000 Genomes Project 0.00080; ExAC 0.00121; gnomAD exomes 0.00135 and 0.00263; TOPMed 0.00156; gnomAD 0.00169 and 0.00172; ESP Exome Variant Server 0.00170.
gnomAD v4.1: 4,062 of 1,614,022 alleles (0.25%); highest among the groups gnomAD compares: Non-Finnish European, 0.32%; 10 homozygotes.

Submissions (7):

CeGaT Center for Human Genetics Tuebingen
Classification: Likely benign. Last evaluated: 2026-08-01. Review status: criteria provided, single submitter. Criteria: CeGaT Center For Human Genetics Tuebingen Variant Classification Criteria Version 2. Collection method: clinical testing. Allele origin: germline. Affected: yes. Observed: 12 variant alleles.
Comment: SYNE2: BP4, BS1

Labcorp Genetics (formerly Invitae), Labcorp
Classification: Likely benign for Emery-Dreifuss muscular dystrophy 5, autosomal dominant. Last evaluated: 2026-01-16. Review status: criteria provided, single submitter. Criteria: Invitae Variant Classification Sherloc (09022015). Collection method: clinical testing. Allele origin: germline.

Athena Diagnostics
Classification: Likely benign. Last evaluated: 2025-07-17. Review status: criteria provided, single submitter. Criteria: Athena Diagnostics Criteria. Collection method: clinical testing. Allele origin: unknown.
Comment: The frequency of this variant in the general population is higher than would generally be expected for pathogenic variants in this gene.

Blueprint Genetics
Classification: Likely benign. Last evaluated: 2024-11-18. Review status: criteria provided, single submitter. Criteria: ACMG Guidelines, 2015. Collection method: clinical testing. Allele origin: germline.

Illumina Laboratory Services, Illumina
Classification: Benign for Emery-Dreifuss muscular dystrophy 5, autosomal dominant. Last evaluated: 2018-01-13. Review status: criteria provided, single submitter. Criteria: ICSL Variant Classification Criteria 13 December 2019. Collection method: clinical testing. Allele origin: germline.
Comment: This variant was observed in the ICSL laboratory as part of a predisposition screen in an ostensibly healthy population. It had not been previously curated by ICSL or reported in the Human Gene Mutation Database (HGMD: prior to June 1st, 2018), and was therefore a candidate for classification through an automated scoring system. Utilizing variant allele frequency, disease prevalence and penetrance estimates, and inheritance mode, an automated score was calculated to assess if this variant is too frequent to cause the disease. Based on the score and internal cut-off values, a variant classified as benign is not then subjected to further curation. The score for this variant resulted in a classification of benign for this disease.

Eurofins Ntd Llc (ga)
Classification: Uncertain significance. Last evaluated: 2015-08-18. Review status: criteria provided, single submitter. Criteria: EGL Classification Definitions 2015. Collection method: clinical testing. Allele origin: germline. Observed: 11 variant alleles, 11 heterozygotes.

PreventionGenetics, part of Exact Sciences
Classification: Likely benign for SYNE2-related condition. Last evaluated: 2019-12-04. Review status: no assertion criteria provided. Collection method: clinical testing. Allele origin: germline. Not counted in ClinVar's aggregate classification.
Comment: This variant is classified as likely benign based on ACMG/AMP sequence variant interpretation guidelines (Richards et al. 2015 PMID: 25741868, with internal and published modifications).

Literature cited by the submitters: PubMed 28074886 (cited by Athena Diagnostics).